The following is an entry in ClinVar:

ClinVar aggregate classification (germline): Pathogenic/Likely pathogenic. Review status: criteria provided, multiple submitters, no conflicts (2 of 4 stars). 4 submissions from 4 submitters: Pathogenic (2); Likely pathogenic (1). 1 of the submissions does not count toward it. Last evaluated 2026-01-26.

Conditions:
Hereditary cancer-predisposing syndrome. Also called: Neoplastic Syndromes, Hereditary; Tumor predisposition; Hereditary Cancer Syndrome; Hereditary neoplastic syndrome. Identifiers: Orphanet 140162, MedGen C0027672, MeSH D009386, MONDO:0015356.
Malignant tumor of urinary bladder. Also called: Bladder cancer; Urinary bladder cancer; Urinary Bladder Neoplasms. Identifiers: MedGen C0005684, MONDO:0001187, OMIM 109800.
Familial cancer of breast. Also called: Hereditary breast cancer; hereditary breast carcinoma; BREAST CANCER, FAMILIAL. Identifiers: Orphanet 227535, MedGen C0346153, MONDO:0016419, OMIM 114480. Disease mechanism: loss of function.

Submissions (4):

Ambry Genetics
Classification: Pathogenic for Hereditary cancer-predisposing syndrome. Last evaluated: 2026-01-26. Review status: criteria provided, single submitter. Criteria: Ambry Variant Classification Scheme 2023. Collection method: clinical testing. Allele origin: germline.
Comment: The p.W1710* pathogenic mutation (also known as c.5130G>A), located in coding exon 33 of the ATM gene, results from a G to A substitution at nucleotide position 5130. This changes the amino acid from a tryptophan to a stop codon within coding exon 33. This variant is considered to be rare based on population cohorts in the Genome Aggregation Database (gnomAD). This alteration is expected to result in loss of function by premature protein truncation or nonsense-mediated mRNA decay. As such, this alteration is interpreted as a disease-causing mutation.

Baylor Genetics
Classification: Likely pathogenic for Familial cancer of breast. Last evaluated: 2024-02-08. Review status: criteria provided, single submitter. Criteria: ACMG Guidelines, 2015. Collection method: clinical testing. Allele origin: unknown.

Myriad Genetics, Inc.
Classification: Pathogenic for Familial cancer of breast. Last evaluated: 2024-02-06. Review status: criteria provided, single submitter. Criteria: Myriad Autosomal Dominant, Autosomal Recessive and X-Linked Classification Criteria (2023). Collection method: clinical testing. Allele origin: unknown.
Comment: This variant is considered pathogenic. This variant creates a termination codon and is predicted to result in premature protein truncation.

Laboratory of Urology, Hospital Clinic de Barcelona
Classification: Pathogenic for Malignant tumor of urinary bladder. Review status: no assertion criteria provided. Collection method: research. Allele origin: somatic. Affected: yes. Not counted in ClinVar's aggregate classification.

NM_000051.4(ATM):c.5130G>A (p.Trp1710Ter)

Gene: ATM (ATM serine/threonine kinase; plus strand). Cytogenetic location: 11q22.3.
Variant type: single nucleotide variant.
Coding change: c.5130G>A on transcript NM_000051.4 (MANE Select); coding-DNA position 5130, G replaced by A.
Protein change: p.Trp1710Ter; replaces tryptophan 1710 with a stop codon.
Molecular consequence: nonsense.
Genome position (GRCh38, 1-based): chr11:108,299,838, G>A. VCF-style: chr11-108299838-G-A. GRCh37 (hg19) VCF-style: chr11-108170565-G-A.
Other names: c.5130G>A, p.Trp1710Ter (NM_001351834.2); short protein forms W1710*.
Identifiers: ClinVar variation 2582286 (VCV002582286.4), dbSNP rs780816003, ClinGen allele CA382540911.
Genomic context (GRCh38, chr11:108,299,838, plus strand): 5'-TAGTAAAGATGCATCTTATACCAAGGCCCTTAAGTTATTTGAAGATAAAGAACTTCAGTG[G>A]ACCTTCATAATGCTGACCTACCTGAATAACACACTGGTAGAAGATTGGTGAGTATTTATT-3'